The following is an entry in ClinVar:

ClinVar aggregate classification (germline): Uncertain significance (1 of 4 stars; one submission).

Allele frequency attached by ClinVar (database versions not stated): gnomAD exomes below 0.00001; TOPMed below 0.00001; ExAC 0.00001; gnomAD 0.00001; 1000 Genomes Project 30x 0.00016.
gnomAD v4.1: 3 of 1,612,194 alleles (0.00019%); highest among the groups gnomAD compares: Admixed American, 0.0033%; no homozygotes.

Submission:

Laboratory for Molecular Medicine, Mass General Brigham Personalized Medicine
Classification: Uncertain significance. Last evaluated: 2018-02-05. Review status: criteria provided, single submitter. Criteria: LMM Criteria. Collection method: clinical testing. Allele origin: germline. Observed: 1 variant allele.
Comment: The c.*11C>T variant in ILDR1 has not been previously reported in individuals wi th hearing loss or in large population studies. This variant is in the 3'UTR, an d the impact, if any, to the ILDR1 gene is unknown. In summary, the clinical sig nificance of this variant is uncertain.

NM_001199799.2(ILDR1):c.*11C>T

Gene: ILDR1 (immunoglobulin like domain containing receptor 1; minus strand). Cytogenetic location: 3q13.33.
Variant type: single nucleotide variant.
Coding change: c.*11C>T on transcript NM_001199799.2 (MANE Select); 11 bases downstream of the stop codon, C replaced by T.
Molecular consequence: 3 prime UTR variant.
Genome position (GRCh38, 1-based): chr3:121,988,356, G>A on the plus strand (C>T on the coding strand, the complement: ILDR1 is on the minus strand). VCF-style: chr3-121988356-G-A. GRCh37 (hg19) VCF-style: chr3-121707203-G-A.
Other names: c.*11C>T (NM_001199800.2, NM_175924.4).
Identifiers: ClinVar variation 667248 (VCV000667248.4), dbSNP rs775202902, ClinGen allele CA2568583.
Genomic context (GRCh38, chr3:121,988,356, plus strand): 5'-GGAAACCTAGGTGATGCTGATGACACACAGGAGCCGAGAAGTAGCCACAGAAGTTGTGCT[G>A]TGCTTGGTGACTAAATGACCACACTCCTTCCACTATGAGAGCTGTCTTTCTCCTGGGAAA-3'